The following is an entry in ClinVar:

ClinVar aggregate classification (germline): Benign/Likely benign. Review status: criteria provided, multiple submitters, no conflicts (2 of 4 stars). 4 submissions from 4 submitters: Benign (3); Likely benign (1). Last evaluated 2026-01-28.

Conditions:
Junctional epidermolysis bullosa, non-Herlitz type. Also called: EPIDERMOLYSIS BULLOSA JUNCTIONALIS, DISENTIS TYPE; EPIDERMOLYSIS BULLOSA JUNCTIONALIS, NON-HERLITZ TYPE; EPIDERMOLYSIS BULLOSA JUNCTIONALIS, PROGRESSIVE; EPIDERMOLYSIS BULLOSA JUNCTIONALIS, SEVERE NONLETHAL; COL17A1-Related Junctional Epidermolysis Bullosa; Epidermolysis bullosa, junctional, non-herlitz type, somatic mosaic revertant. Identifiers: Orphanet 251393, Orphanet 79402, Orphanet 79405, Orphanet 89840, MedGen C0268374, MONDO:0009180, OMIM 226650.

Allele frequency attached by ClinVar (database versions not stated): gnomAD 0.00615; ESP Exome Variant Server 0.00692; TOPMed 0.00702; 1000 Genomes Project 0.00739; 1000 Genomes Project 30x 0.00781.
gnomAD v4.1: 1,890 of 1,613,724 alleles (0.12%); highest among the groups gnomAD compares: African/African-American, 2.3%; 19 homozygotes.

Submissions (4):

Labcorp Genetics (formerly Invitae), Labcorp
Classification: Benign. Last evaluated: 2026-01-28. Review status: criteria provided, single submitter. Criteria: Invitae Variant Classification Sherloc (09022015). Collection method: clinical testing. Allele origin: germline.

Blueprint Genetics
Classification: Likely benign. Last evaluated: 2024-10-16. Review status: criteria provided, single submitter. Criteria: ACMG Guidelines, 2015. Collection method: clinical testing. Allele origin: germline.

Illumina Laboratory Services, Illumina
Classification: Benign for Junctional epidermolysis bullosa, non-Herlitz type. Last evaluated: 2018-01-13. Review status: criteria provided, single submitter. Criteria: ICSL Variant Classification Criteria 13 December 2019. Collection method: clinical testing. Allele origin: germline.
Comment: This variant was observed in the ICSL laboratory as part of a predisposition screen in an ostensibly healthy population. It had not been previously curated by ICSL or reported in the Human Gene Mutation Database (HGMD: prior to June 1st, 2018), and was therefore a candidate for classification through an automated scoring system. Utilizing variant allele frequency, disease prevalence and penetrance estimates, and inheritance mode, an automated score was calculated to assess if this variant is too frequent to cause the disease. Based on the score and internal cut-off values, a variant classified as benign is not then subjected to further curation. The score for this variant resulted in a classification of benign for this disease.

Breakthrough Genomics
Classification: Benign. Review status: criteria provided, single submitter. Criteria: ACMG Guidelines, 2015. Collection method: not provided. Allele origin: germline. Inheritance: Autosomal recessive inheritance. Affected: yes.

NM_000494.4(COL17A1):c.630G>A (p.Thr210=)

Gene: COL17A1 (collagen type XVII alpha 1 chain; minus strand). Cytogenetic location: 10q25.1.
Variant type: single nucleotide variant.
Coding change: c.630G>A on transcript NM_000494.4 (MANE Select); coding-DNA position 630, G replaced by A.
Protein change: p.Thr210=; no amino-acid change (threonine 210 retained).
Molecular consequence: synonymous variant.
Genome position (GRCh38, 1-based): chr10:104,064,574, C>T on the plus strand (G>A on the coding strand, the complement: COL17A1 is on the minus strand). VCF-style: chr10-104064574-C-T. GRCh37 (hg19) VCF-style: chr10-105824332-C-T.
Other names: c.630G>A, p.Thr210= (LRG_1249t1).
Identifiers: ClinVar variation 298746 (VCV000298746.15), dbSNP rs149012179, ClinGen allele CA5679343.